The following is an entry in ClinVar:

ClinVar aggregate classification (germline): Pathogenic/Likely pathogenic. Review status: criteria provided, multiple submitters, no conflicts (2 of 4 stars). 4 submissions from 4 submitters: Pathogenic (3); Likely pathogenic (1). Last evaluated 2024-12-19.

Conditions:
Autosomal recessive limb-girdle muscular dystrophy type 2A (LGMDR1). Also called: Calpainopathy; Muscular dystrophy, limb-girdle, type 2A, Amish; LEYDEN-MOEBIUS MUSCULAR DYSTROPHY; MUSCULAR DYSTROPHY, PELVOFEMORAL; Limb-girdle muscular dystrophy, type 2A. Identifiers: Orphanet 267, MedGen C1869123, MONDO:0009675, OMIM 253600. Disease mechanism: loss of function.
Muscular dystrophy, limb-girdle, autosomal dominant 4. Also called: Calpain-3-related limb-girdle muscular dystrophy D4; MUSCULAR DYSTROPHY, LIMB-GIRDLE, TYPE 1I. Identifiers: Orphanet 565909, MedGen C4748295, MONDO:0029133, OMIM 618129.

Allele frequency attached by ClinVar (database versions not stated): gnomAD exomes below 0.00001.
gnomAD v4.1: 1 of 1,074,064 alleles (0.000093%); highest among the groups gnomAD compares: Non-Finnish European, 0.00011%; no homozygotes.

Submissions (4):

Natera, Inc.
Classification: Likely pathogenic for Limb-girdle muscular dystrophy type 2A. Last evaluated: 2024-12-19. Review status: criteria provided, single submitter. Criteria: Natera Variant Classification Schema (03/2026). Collection method: clinical testing. Allele origin: germline.
Comment: The c.1782+1072G>C variant in CAPN3 is an intronic variant located outside the canonical splice sites. This variant is rare in the general population with a frequency below the threshold expected for the associated phenotype(s). This variant has been observed in one or more individuals affected with the associated recessive disease, as either homozygous or compound heterozygous with a second variant (PMID: 18563459). Functional studies show that this variant may disrupt protein function (PMID: 18563459). Given the available evidence, this variant is classified as Likely Pathogenic.

Fulgent Genetics
Classification: Pathogenic for Autosomal recessive limb-girdle muscular dystrophy type 2A; Muscular dystrophy, limb-girdle, autosomal dominant 4. Last evaluated: 2024-05-28. Review status: criteria provided, single submitter. Criteria: ACMG Guidelines, 2015. Collection method: clinical testing. Allele origin: germline.

Baylor Genetics
Classification: Pathogenic for Muscular dystrophy, limb-girdle, autosomal dominant 4. Last evaluated: 2022-11-09. Review status: criteria provided, single submitter. Criteria: ACMG Guidelines, 2015. Collection method: clinical testing. Allele origin: unknown.

Labcorp Genetics (formerly Invitae), Labcorp
Classification: Pathogenic for Autosomal recessive limb-girdle muscular dystrophy type 2A. Last evaluated: 2019-05-21. Review status: criteria provided, single submitter. Criteria: Invitae Variant Classification Sherloc (09022015). Collection method: clinical testing. Allele origin: germline.
Comment: This variant has been observed in multiple individuals affected with limb-girdle muscular dystrophy (PMID: 18563459). For these reasons, this variant has been classified as Pathogenic. Experimental studies have shown that this intronic change results in the insertion of a pseudoexon which causes a frameshift (PMID: 23864287, 18563459). Frequency data for this variant in population databases is not available. This sequence change falls in intron 14 of the CAPN3 gene. It does not directly change the encoded amino acid sequence of the CAPN3 protein.

Literature cited by the submitters: PubMed 18563459 (cited by Natera, Inc. and Labcorp Genetics (formerly Invitae), Labcorp); PubMed 23864287 (cited by Labcorp Genetics (formerly Invitae), Labcorp).

NM_000070.3(CAPN3):c.1782+1072G>C

Gene: CAPN3 (calpain 3; plus strand). Cytogenetic location: 15q15.1.
Variant type: single nucleotide variant.
Coding change: c.1782+1072G>C on transcript NM_000070.3 (MANE Select); 1072 bases into the intron after coding-DNA position 1782, G replaced by C.
Molecular consequence: intron variant. On other transcripts: 5 prime UTR variant (2).
Genome position (GRCh38, 1-based): chr15:42,404,849, G>C. VCF-style: chr15-42404849-G-C. GRCh37 (hg19) VCF-style: chr15-42697047-G-C.
Other names: c.-188G>C (NM_173089.2); c.-206G>C (NM_173090.2); c.1782+1072G>C (NM_024344.2); c.1638+1072G>C (NM_173087.2); c.246+1072G>C (NM_173088.2).
Identifiers: ClinVar variation 946832 (VCV000946832.13), dbSNP rs2053974373, ClinGen allele CA1139663856.